The following is an entry in ClinVar:

ClinVar aggregate classification (germline): Likely benign (1 of 4 stars; one submission).

Submission:

GeneDx
Classification: Likely benign. Last evaluated: 2018-02-07. Review status: criteria provided, single submitter. Criteria: GeneDx Variant Classification (06012015). Collection method: clinical testing. Allele origin: germline. Affected: yes.
Comment: This variant is considered likely benign or benign based on one or more of the following criteria: it is a conservative change, it occurs at a poorly conserved position in the protein, it is predicted to be benign by multiple in silico algorithms, and/or has population frequency not consistent with disease.

NM_001379110.1(SLC9A6):c.1671G>A (p.Lys557=)

Gene: SLC9A6 (solute carrier family 9 member A6; plus strand). Cytogenetic location: Xq26.3.
Variant type: single nucleotide variant.
Coding change: c.1671G>A on transcript NM_001379110.1 (MANE Select); coding-DNA position 1671, G replaced by A.
Protein change: p.Lys557=; no amino-acid change (lysine 557 retained).
Molecular consequence: synonymous variant.
Genome position (GRCh38, 1-based): chrX:136,040,085, G>A. VCF-style: chrX-136040085-G-A. GRCh37 (hg19) VCF-style: chrX-135122244-G-A.
Other names: c.1737G>A, p.Lys579= (NM_001042537.2); c.1581G>A, p.Lys527= (NM_001177651.2); c.1485G>A, p.Lys495= (NM_001330652.2); c.1641G>A, p.Lys547= (NM_006359.3).
Identifiers: ClinVar variation 515318 (VCV000515318.1), dbSNP rs1556622336, ClinGen allele CA518760138.